The following is an entry in ClinVar:

ClinVar aggregate classification (germline): Uncertain significance (1 of 4 stars; one submission).

Submission:

Labcorp Genetics (formerly Invitae), Labcorp
Classification: Uncertain significance. Last evaluated: 2023-05-22. Review status: criteria provided, single submitter. Criteria: Invitae Variant Classification Sherloc (09022015). Collection method: clinical testing. Allele origin: germline.
Comment: In summary, the available evidence is currently insufficient to determine the role of this variant in disease. Therefore, it has been classified as a Variant of Uncertain Significance. Advanced modeling of protein sequence and biophysical properties (such as structural, functional, and spatial information, amino acid conservation, physicochemical variation, residue mobility, and thermodynamic stability) performed at Invitae indicates that this missense variant is not expected to disrupt NEUROD1 protein function. ClinVar contains an entry for this variant (Variation ID: 1714861). This variant has not been reported in the literature in individuals affected with NEUROD1-related conditions. This variant is not present in population databases (gnomAD no frequency). This sequence change replaces phenylalanine, which is neutral and non-polar, with tyrosine, which is neutral and polar, at codon 354 of the NEUROD1 protein (p.Phe354Tyr).

NM_002500.5(NEUROD1):c.1061T>A (p.Phe354Tyr)

Gene: NEUROD1 (neuronal differentiation 1; minus strand). Cytogenetic location: 2q31.3.
Variant type: single nucleotide variant.
Coding change: c.1061T>A on transcript NM_002500.5 (MANE Select); coding-DNA position 1061, T replaced by A.
Protein change: p.Phe354Tyr; replaces phenylalanine 354 with tyrosine.
Molecular consequence: missense variant.
Genome position (GRCh38, 1-based): chr2:181,677,800, A>T on the plus strand (T>A on the coding strand, the complement: NEUROD1 is on the minus strand). VCF-style: chr2-181677800-A-T. GRCh37 (hg19) VCF-style: chr2-182542527-A-T.
Other names: short protein forms F354Y.
Identifiers: ClinVar variation 1714861 (VCV001714861.5), dbSNP rs2468608645, ClinGen allele CA349781679.